The following is an entry in ClinVar:

ClinVar aggregate classification (germline): Uncertain significance (1 of 4 stars; one submission).

Conditions:
Hereditary sensory neuropathy-deafness-dementia syndrome. Also called: NEUROPATHY, HEREDITARY SENSORY, WITH HEARING LOSS AND DEMENTIA; Hereditary Sensory and Autonomic Neuropathy Type 1E (HSAN1E); HSN IE; Hereditary sensory neuropathy type IE. Identifiers: Orphanet 456318, MedGen C3279885, MONDO:0013584, OMIM 614116.

Allele frequency attached by ClinVar (database versions not stated): ExAC 0.00001.

Submission:

Labcorp Genetics (formerly Invitae), Labcorp
Classification: Uncertain significance for Hereditary sensory neuropathy-deafness-dementia syndrome. Last evaluated: 2021-12-21. Review status: criteria provided, single submitter. Criteria: Invitae Variant Classification Sherloc (09022015). Collection method: clinical testing. Allele origin: germline.
Comment: In summary, the available evidence is currently insufficient to determine the role of this variant in disease. Therefore, it has been classified as a Variant of Uncertain Significance. Algorithms developed to predict the effect of missense changes on protein structure and function are either unavailable or do not agree on the potential impact of this missense change (SIFT: "Deleterious"; PolyPhen-2: "Probably Damaging"; Align-GVGD: "Class C0"). ClinVar contains an entry for this variant (Variation ID: 1003228). This variant has not been reported in the literature in individuals affected with DNMT1-related conditions. This variant is not present in population databases (gnomAD no frequency). This sequence change replaces asparagine, which is neutral and polar, with serine, which is neutral and polar, at codon 1252 of the DNMT1 protein (p.Asn1252Ser).

NM_001130823.3(DNMT1):c.3755A>G (p.Asn1252Ser)

Gene: DNMT1 (DNA methyltransferase 1; minus strand). Cytogenetic location: 19p13.2.
Variant type: single nucleotide variant.
Coding change: c.3755A>G on transcript NM_001130823.3 (MANE Select); coding-DNA position 3755, A replaced by G.
Protein change: p.Asn1252Ser; replaces asparagine 1252 with serine.
Molecular consequence: missense variant.
Genome position (GRCh38, 1-based): chr19:10,140,097, T>C on the plus strand (A>G on the coding strand, the complement: DNMT1 is on the minus strand). VCF-style: chr19-10140097-T-C. GRCh37 (hg19) VCF-style: chr19-10250773-T-C.
Other names: c.3707A>G, p.Asn1236Ser (NM_001318730.2, NM_001379.4); c.3392A>G, p.Asn1131Ser (NM_001318731.2); short protein forms N1131S, N1236S, N1252S.
Identifiers: ClinVar variation 1003228 (VCV001003228.8), dbSNP rs768280180, ClinGen allele CA9187684.